The following is an entry in ClinVar:

NM_000059.4(BRCA2):c.7352A>C (p.Asp2451Ala)

Gene: BRCA2 (BRCA2 DNA repair associated; plus strand). Cytogenetic location: 13q13.1.
Variant type: single nucleotide variant.
Coding change: c.7352A>C on transcript NM_000059.4 (MANE Select); coding-DNA position 7352, A replaced by C.
Protein change: p.Asp2451Ala; replaces aspartic acid 2451 with alanine.
Molecular consequence: missense variant. On other transcripts: non-coding transcript variant (1).
Genome position (GRCh38, 1-based): chr13:32,355,205, A>C. VCF-style: chr13-32355205-A-C. GRCh37 (hg19) VCF-style: chr13-32929342-A-C.
Other names: c.7256A>C, p.Asp2419Ala (NM_001406719.1); c.7352A>C, p.Asp2451Ala (NM_001406720.1); c.2420A>C, p.Asp807Ala (NM_001406721.1); c.935A>C, p.Asp312Ala (NM_001406722.1); short protein forms D2419A, D2451A, D312A, D807A.
Identifiers: ClinVar variation 3228399 (VCV003228399.1), dbSNP rs2137558283, ClinGen allele CA387741374.

ClinVar aggregate classification (germline): Uncertain significance (1 of 4 stars; one submission).

Conditions:
Hereditary cancer-predisposing syndrome. Also called: Neoplastic Syndromes, Hereditary; Tumor predisposition; Hereditary neoplastic syndrome; Hereditary Cancer Syndrome. Identifiers: Orphanet 140162, MedGen C0027672, MeSH D009386, MONDO:0015356.

Submission:

Ambry Genetics
Classification: Uncertain significance for Hereditary cancer-predisposing syndrome. Last evaluated: 2023-10-02. Review status: criteria provided, single submitter. Criteria: Ambry Variant Classification Scheme 2023. Collection method: clinical testing. Allele origin: germline.
Comment: The p.D2451A variant (also known as c.7352A>C), located in coding exon 13 of the BRCA2 gene, results from an A to C substitution at nucleotide position 7352. The aspartic acid at codon 2451 is replaced by alanine, an amino acid with dissimilar properties. This amino acid position is poorly conserved in available vertebrate species. In addition, this alteration is predicted to be tolerated by in silico analysis. Since supporting evidence is limited at this time, the clinical significance of this alteration remains unclear.